The following is an entry in ClinVar:

ClinVar aggregate classification (germline): Uncertain significance (1 of 4 stars; one submission).

Conditions:
Inborn genetic diseases. Identifiers: MedGen C0950123, MeSH D030342.

Submission:

Ambry Genetics
Classification: Uncertain significance for Inborn genetic diseases. Last evaluated: 2025-03-19. Review status: criteria provided, single submitter. Criteria: Ambry Variant Classification Scheme 2023. Collection method: clinical testing. Allele origin: germline.
Comment: The p.F441C variant (also known as c.1322T>G), located in coding exon 6 of the SH2B3 gene, results from a T to G substitution at nucleotide position 1322. The phenylalanine at codon 441 is replaced by cysteine, an amino acid with highly dissimilar properties. This amino acid position is conserved. In addition, this alteration is predicted to be deleterious by in silico analysis. Based on the available evidence, the clinical significance of this variant remains unclear.

NM_005475.3(SH2B3):c.1322T>G (p.Phe441Cys)

Gene: SH2B3 (SH2B adaptor protein 3; plus strand). Cytogenetic location: 12q24.12.
Variant type: single nucleotide variant.
Coding change: c.1322T>G on transcript NM_005475.3 (MANE Select); coding-DNA position 1322, T replaced by G.
Protein change: p.Phe441Cys; replaces phenylalanine 441 with cysteine.
Molecular consequence: missense variant.
Genome position (GRCh38, 1-based): chr12:111,447,741, T>G. VCF-style: chr12-111447741-T-G. GRCh37 (hg19) VCF-style: chr12-111885545-T-G.
Other names: c.716T>G, p.Phe239Cys (NM_001291424.1); short protein forms F239C, F441C.
Identifiers: ClinVar variation 3953365 (VCV003953365.1).